The following is an entry in ClinVar:

NM_145239.3(PRRT2):c.221C>G (p.Thr74Ser)

Genes: MVP-DT (MVP divergent transcript; minus strand), PRRT2 (proline rich transmembrane protein 2; plus strand). Cytogenetic location: 16p11.2.
Variant type: single nucleotide variant.
Coding change: c.221C>G on transcript NM_145239.3 (MANE Select); coding-DNA position 221, C replaced by G.
Protein change: p.Thr74Ser; replaces threonine 74 with serine.
Molecular consequence: missense variant.
Genome position (GRCh38, 1-based): chr16:29,813,275, C>G. VCF-style: chr16-29813275-C-G. GRCh37 (hg19) VCF-style: chr16-29824596-C-G.
Other names: c.221C>G, p.Thr74Ser (NM_001256442.2, NM_001256443.2, NM_001438120.1 and 2 more transcripts); short protein forms T74S.
Identifiers: ClinVar variation 4802978 (VCV004802978.1).

ClinVar aggregate classification (germline): Uncertain significance (1 of 4 stars; one submission).

Conditions:
Episodic kinesigenic dyskinesia (EKD). Also called: Paroxysmal kinesigenic dyskinesia. Identifiers: Orphanet 98809, MedGen C1868682, MONDO:0044202.

Submission:

Labcorp Genetics (formerly Invitae), Labcorp
Classification: Uncertain significance for Episodic kinesigenic dyskinesia. Last evaluated: 2025-03-19. Review status: criteria provided, single submitter. Criteria: Invitae Variant Classification Sherloc (09022015). Collection method: clinical testing. Allele origin: germline.
Comment: This sequence change replaces threonine, which is neutral and polar, with serine, which is neutral and polar, at codon 74 of the PRRT2 protein (p.Thr74Ser). This variant is not present in population databases (gnomAD no frequency). This variant has not been reported in the literature in individuals affected with PRRT2-related conditions. Invitae Evidence Modeling of protein sequence and biophysical properties (such as structural, functional, and spatial information, amino acid conservation, physicochemical variation, residue mobility, and thermodynamic stability) indicates that this missense variant is not expected to disrupt PRRT2 protein function with a negative predictive value of 95%. In summary, the available evidence is currently insufficient to determine the role of this variant in disease. Therefore, it has been classified as a Variant of Uncertain Significance.